The following is an entry in ClinVar:

ClinVar aggregate classification (germline): Uncertain significance (1 of 4 stars; one submission).

Submission:

Labcorp Genetics (formerly Invitae), Labcorp
Classification: Uncertain significance. Last evaluated: 2025-02-24. Review status: criteria provided, single submitter. Criteria: Invitae Variant Classification Sherloc (09022015). Collection method: clinical testing. Allele origin: germline.
Comment: This sequence change affects codon 1201 of the TONSL mRNA. It is a 'silent' change, meaning that it does not change the encoded amino acid sequence of the TONSL protein. This variant is not present in population databases (gnomAD no frequency). This variant has not been reported in the literature in individuals affected with TONSL-related conditions. ClinVar contains an entry for this variant (Variation ID: 1941747). Algorithms developed to predict the effect of sequence changes on RNA splicing suggest that this variant may create or strengthen a splice site. In summary, the available evidence is currently insufficient to determine the role of this variant in disease. Therefore, it has been classified as a Variant of Uncertain Significance.

NM_013432.5(TONSL):c.3603G>A (p.Leu1201=)

Gene: TONSL (tonsoku like, DNA repair protein; minus strand). Cytogenetic location: 8q24.3.
Variant type: single nucleotide variant.
Coding change: c.3603G>A on transcript NM_013432.5 (MANE Select); coding-DNA position 3603, G replaced by A.
Protein change: p.Leu1201=; no amino-acid change (leucine 1201 retained).
Molecular consequence: synonymous variant.
Genome position (GRCh38, 1-based): chr8:144,432,417, C>T on the plus strand (G>A on the coding strand, the complement: TONSL is on the minus strand). VCF-style: chr8-144432417-C-T. GRCh37 (hg19) VCF-style: chr8-145657800-C-T.
Identifiers: ClinVar variation 1941747 (VCV001941747.5), dbSNP rs2537476759, ClinGen allele CA463451337.
Genomic context (GRCh38, chr8:144,432,417, plus strand): 5'-TAAGTGCAGGAGGGTGCCGGCGGGCAGGCTCTGCAGGGTCCTGGCCAGGGCAGGGGCTCC[C>T]AGGGCGTTGTAGGACAGGGACAGGGTCTTCAGGTGCTCAGCATCTGCACCGGGGCCAGAA-3'
Protein context (NP_038460.4, residues 1191-1211): LKTLSLSYNA[Leu1201=]GAPALARTLQ